The following is an entry in ClinVar:

ClinVar aggregate classification (germline): Conflicting classifications of pathogenicity. Review status: criteria provided, conflicting classifications (1 of 4 stars). 3 submissions from 3 submitters: Uncertain significance (1); Likely benign (2). Last evaluated 2025-10-28.

Conditions:
Epileptic encephalopathy. Identifiers: MedGen C0543888, HP:0200134.

Allele frequency attached by ClinVar (database versions not stated): TOPMed 0.00002; gnomAD exomes 0.00004.
gnomAD v4.1: 33 of 993,294 alleles (0.0033%); highest among the groups gnomAD compares: Non-Finnish European, 0.0038%; no homozygotes.

Submissions (3):

Labcorp Genetics (formerly Invitae), Labcorp
Classification: Likely benign for Epileptic encephalopathy. Last evaluated: 2025-10-28. Review status: criteria provided, single submitter. Criteria: Invitae Variant Classification Sherloc (09022015). Collection method: clinical testing. Allele origin: germline.

Blueprint Genetics
Classification: Likely benign. Last evaluated: 2020-09-25. Review status: criteria provided, single submitter. Criteria: ACMG Guidelines, 2015. Collection method: clinical testing. Allele origin: germline.

GeneDx
Classification: Uncertain significance. Last evaluated: 2019-06-25. Review status: criteria provided, single submitter. Criteria: GeneDx Variant Classification Process June 2021. Collection method: clinical testing. Allele origin: germline. Affected: yes.
Comment: Not observed in large population cohorts (Lek et al., 2016); In silico analysis, which includes protein predictors and evolutionary conservation, supports that this variant does not alter protein structure/function; Has not been previously published as pathogenic or benign to our knowledge

NM_005458.8(GABBR2):c.23G>A (p.Gly8Glu)

Gene: GABBR2 (gamma-aminobutyric acid type B receptor subunit 2; minus strand). Cytogenetic location: 9q22.33.
Variant type: single nucleotide variant.
Coding change: c.23G>A on transcript NM_005458.8 (MANE Select); coding-DNA position 23, G replaced by A.
Protein change: p.Gly8Glu; replaces glycine 8 with glutamic acid.
Molecular consequence: missense variant.
Genome position (GRCh38, 1-based): chr9:98,708,715, C>T on the plus strand (G>A on the coding strand, the complement: GABBR2 is on the minus strand). VCF-style: chr9-98708715-C-T. GRCh37 (hg19) VCF-style: chr9-101470997-C-T.
Other names: short protein forms G8E.
Identifiers: ClinVar variation 833631 (VCV000833631.12), dbSNP rs950352036, ClinGen allele CA374212987.
Genomic context (GRCh38, chr9:98,708,715, plus strand): 5'-AGCAGTAGCAGTAGCAGGCGCGCGGGCGGCGGTGGCGGCGGCGGCGGCGGCCCGGGCTGC[C>T]CGGAGCTCCGCGGGGAAGCCATGCCGCGCCGCGGGCTGCGGGCGCCGGCTCACTCGGCCC-3'
Protein context (NP_005449.5, residues 1-18): MASPRSS[Gly8Glu]QPGPPPPPPP